The following is an entry in ClinVar:

NM_020719.3(PRR12):c.5640C>T (p.Pro1880=)

Gene: PRR12 (proline rich 12; plus strand). Cytogenetic location: 19q13.33.
Variant type: single nucleotide variant.
Coding change: c.5640C>T on transcript NM_020719.3 (MANE Select); coding-DNA position 5640, C replaced by T.
Protein change: p.Pro1880=; no amino-acid change (proline 1880 retained).
Molecular consequence: synonymous variant.
Genome position (GRCh38, 1-based): chr19:49,621,541, C>T. VCF-style: chr19-49621541-C-T. GRCh37 (hg19) VCF-style: chr19-50124798-C-T.
Identifiers: ClinVar variation 3056374 (VCV003056374.2), dbSNP rs60445174, ClinGen allele CA9578755.
Genomic context (GRCh38, chr19:49,621,541, plus strand): 5'-TTGTGAGGCTGTGGCCTTCCTGATACCATGTCCTCGTCCATCAGACGAGCTGTACCTGCC[C>T]CCCATGCGGAAGATAGACGGCCTGCTGAATGAGCACAAGAAGAAAGTCCTGAAGCGGCTG-3'
Protein context (NP_065770.1, residues 1870-1890): LEDTHDELYL[Pro1880=]PMRKIDGLLN

ClinVar aggregate classification (germline): Benign (0 of 4 stars; one submission).

Conditions:
PRR12-related disorder. Also called: PRR12-related condition.

Allele frequency attached by ClinVar (database versions not stated): gnomAD exomes 0.03781; gnomAD 0.04602; TOPMed 0.04625; ESP Exome Variant Server 0.04852; ExAC 0.05521; 1000 Genomes Project 0.05751; 1000 Genomes Project 30x 0.06043.
gnomAD v4.1: 61,788 of 1,605,718 alleles (3.8%); highest among the groups gnomAD compares: South Asian, 10%; 1,680 homozygotes.

Submission:

PreventionGenetics, part of Exact Sciences
Classification: Benign for PRR12-related condition. Last evaluated: 2019-06-28. Review status: no assertion criteria provided. Collection method: clinical testing. Allele origin: germline.
Comment: This variant is classified as benign based on ACMG/AMP sequence variant interpretation guidelines (Richards et al. 2015 PMID: 25741868, with internal and published modifications).